The following is an entry in ClinVar:

ClinVar aggregate classification (germline): Benign. Review status: criteria provided, multiple submitters, no conflicts (2 of 4 stars). 4 submissions from 4 submitters: Benign (3). 1 of the submissions does not count toward it. Last evaluated 2021-05-04.

Conditions:
DNAH17-related disorder. Also called: DNAH17-related condition.

Allele frequency attached by ClinVar (database versions not stated): 1000 Genomes Project 0.28594; 1000 Genomes Project 30x 0.28685; ESP Exome Variant Server 0.29117; gnomAD 0.30818 and 0.30825; TOPMed 0.31377; gnomAD exomes 0.33987; ExAC 0.36184.
gnomAD v4.1: 539,269 of 1,599,836 alleles (34%); highest among the groups gnomAD compares: Admixed American, 50%; 93,892 homozygotes.

Submissions (4):

GeneDx
Classification: Benign. Last evaluated: 2021-05-04. Review status: criteria provided, single submitter. Criteria: GeneDx Variant Classification Process June 2021. Collection method: clinical testing. Allele origin: germline. Affected: yes.

Laboratory for Molecular Medicine, Mass General Brigham Personalized Medicine
Classification: Benign. Last evaluated: 2016-03-29. Review status: criteria provided, single submitter. Criteria: LMM Criteria. Collection method: clinical testing. Allele origin: germline.
Comment: Variant identified in a genome or exome case(s) and assessed due to predicted null impact of the variant or pathogenic assertions in the literature or databases. Disclaimer: This variant has not undergone full assessment. The following are preliminary notes: Frequency

Breakthrough Genomics
Classification: Benign. Review status: criteria provided, single submitter. Criteria: ACMG Guidelines, 2015. Collection method: not provided. Allele origin: germline. Inheritance: Autosomal recessive inheritance. Affected: yes.

PreventionGenetics, part of Exact Sciences
Classification: Benign for DNAH17-related condition. Last evaluated: 2019-10-17. Review status: no assertion criteria provided. Collection method: clinical testing. Allele origin: germline. Not counted in ClinVar's aggregate classification.
Comment: This variant is classified as benign based on ACMG/AMP sequence variant interpretation guidelines (Richards et al. 2015 PMID: 25741868, with internal and published modifications).

NM_173628.4(DNAH17):c.1198-7C>T

Gene: DNAH17 (dynein axonemal heavy chain 17; minus strand). Cytogenetic location: 17q25.3.
Variant type: single nucleotide variant.
Coding change: c.1198-7C>T on transcript NM_173628.4 (MANE Select); 7 bases into the intron before coding-DNA position 1198, C replaced by T.
Molecular consequence: intron variant.
Genome position (GRCh38, 1-based): chr17:78,569,259, G>A on the plus strand (C>T on the coding strand, the complement: DNAH17 is on the minus strand). VCF-style: chr17-78569259-G-A. GRCh37 (hg19) VCF-style: chr17-76565341-G-A.
Identifiers: ClinVar variation 402702 (VCV000402702.8), dbSNP rs72920970, ClinGen allele CA8805268.